The following is an entry in ClinVar:

ClinVar aggregate classification (germline): Uncertain significance. Review status: criteria provided, multiple submitters, no conflicts (2 of 4 stars). 2 submissions from 2 submitters: Uncertain significance (2). Last evaluated 2025-09-23.

Allele frequency attached by ClinVar (database versions not stated): gnomAD 0.00008; ExAC 0.00009; ESP Exome Variant Server 0.00016; gnomAD exomes 0.00001; TOPMed 0.00005; 1000 Genomes Project 0.00020; 1000 Genomes Project 30x 0.00016.

Submissions (2):

Labcorp Genetics (formerly Invitae), Labcorp
Classification: Uncertain significance. Last evaluated: 2025-09-23. Review status: criteria provided, single submitter. Criteria: Invitae Variant Classification Sherloc (09022015). Collection method: clinical testing. Allele origin: germline.
Comment: This sequence change replaces arginine, which is basic and polar, with tryptophan, which is neutral and slightly polar, at codon 88 of the MYH14 protein (p.Arg88Trp). The frequency data for this variant in the population databases is considered unreliable, as metrics indicate poor data quality at this position in the gnomAD database. This variant has not been reported in the literature in individuals affected with MYH14-related conditions. ClinVar contains an entry for this variant (Variation ID: 2900653). Invitae Evidence Modeling of protein sequence and biophysical properties (such as structural, functional, and spatial information, amino acid conservation, physicochemical variation, residue mobility, and thermodynamic stability) indicates that this missense variant is expected to disrupt MYH14 protein function with a positive predictive value of 80%. In summary, the available evidence is currently insufficient to determine the role of this variant in disease. Therefore, it has been classified as a Variant of Uncertain Significance.

Women's Health and Genetics/Laboratory Corporation of America, LabCorp
Classification: Uncertain significance. Last evaluated: 2025-05-08. Review status: criteria provided, single submitter. Criteria: LabCorp Variant Classification Summary - May 2015. Collection method: clinical testing. Allele origin: germline.
Comment: Variant summary: MYH14 c.262C>T (p.Arg88Trp) results in a non-conservative amino acid change in the encoded protein sequence. Algorithms developed to predict the effect of missense changes on protein structure and function are either unavailable or do not agree on the potential impact of this missense change. The variant allele was found at a frequency of 2.9e-05 in 170304 control chromosomes. The available data on variant occurrences in the general population are insufficient to allow any conclusion about variant significance. To our knowledge, no occurrence of c.262C>T in individuals affected with Autosomal dominant nonsyndromic hearing loss 4A and no experimental evidence demonstrating its impact on protein function have been reported. ClinVar contains an entry for this variant (Variation ID: 2900653). Based on the evidence outlined above, the variant was classified as uncertain significance.

NM_001145809.2(MYH14):c.262C>T (p.Arg88Trp)

Gene: MYH14 (myosin heavy chain 14; plus strand). Cytogenetic location: 19q13.33.
Variant type: single nucleotide variant.
Coding change: c.262C>T on transcript NM_001145809.2 (MANE Select); coding-DNA position 262, C replaced by T.
Protein change: p.Arg88Trp; replaces arginine 88 with tryptophan.
Molecular consequence: missense variant.
Genome position (GRCh38, 1-based): chr19:50,210,627, C>T. VCF-style: chr19-50210627-C-T. GRCh37 (hg19) VCF-style: chr19-50713884-C-T.
Other names: c.262C>T, p.Arg88Trp (NM_001077186.2, NM_024729.4); short protein forms R88W.
Identifiers: ClinVar variation 2900653 (VCV002900653.4), dbSNP rs368576196, ClinGen allele CA9592217.